The following is an entry in ClinVar:

ClinVar aggregate classification (germline): Likely pathogenic. Review status: reviewed by expert panel (3 of 4 stars). 2 submissions from 2 submitters: Likely pathogenic (1). 1 of the submissions does not count toward it. Last evaluated 2026-09-22.

Conditions:
Retinitis pigmentosa 20 (RP20). Identifiers: Orphanet 791, MedGen C3151086, MONDO:0013425, OMIM 613794.
Leber congenital amaurosis 2 (LCA2). Also called: AMAUROSIS CONGENITA OF LEBER II; Autosomal Recessive RPE65-Related Retinal Degeneration. Identifiers: Orphanet 65, MedGen C1859844, MONDO:0008765, OMIM 204100. Disease mechanism: loss of function.
RPE65-related recessive retinopathy. Also called: Recessive RPE65 retinopathy. Identifiers: MedGen CN305526, MONDO:0100368.

Submissions (2):

ClinGen Leber Congenital Amaurosis/early Onset Retinal Dystrophy Variant Curation Expert Panel, ClinGen
Classification: Likely pathogenic for RPE65-related recessive retinopathy. Last evaluated: 2026-09-22. Review status: reviewed by expert panel. Criteria: ClinGen LCAeoRD ACMG Specifications RPE65 V1.0.0. Collection method: curation. Allele origin: germline. Inheritance: Autosomal recessive inheritance.
Comment: The NM_000329.3(RPE65):c.55G>A (p.Val19Met) missense variant is predicted to replace the valine at position 19 with methionine. This variant is absent from gnomAD v4.1.1 (PM2_Supporting). At least one proband harboring this variant exhibits a phenotype including congenital night blindness (0.5 pts) , decreased rod responses on ERG (0.5 pts), large gene panel testing without other significant findings (2 pts) , hypoautofluorescence (2 pts), optic nerve pallor (0.5 pts), pigmentary retinopathy (0.5 pts), posterior subcapsular cataract (0.5 pts), RPE mottling (0.5.pts), partial macular atrophy (0.5 pts), symptomatic onset before age 5 (1 pt), OCT preserved with respect to vision loss (1 pt), decreased peripheral vision (1 pt), ERG demonstrated cone involvement (1 pt), and decreased central visual acuity (1 pt) which together are highly specific for RPE65-related recessive retinopathy (total 12.5 points, PP4_Moderate).This variant has been reported in at least 1 proband with early-onset severe retinal dystrophy who was compound heterozygous with the c.65T>C (p.Leu22Pro) confirmed in trans (1 point) which was previously classified pathogenic by the ClinGen LCA/eoRD VCEP (1.0 total points, PM3). The variant has been reported to segregate with childhood-onset severe retinal dystrophy through the proband plus 1 similarly affected relative, with the variant present in the compound heterozygous state (PP1).In summary, this variant meets the criteria to be classified as likely pathogenic for RPE65-related recessive retinopathy based on the ACMG/AMP criteria applied, as specified by the ClinGen LCA/eoRD VCEP: PM2_Supporting, PP4_Moderate, PM3, PP1. (VCEP specifications version 1.0.0.)

Labcorp Genetics (formerly Invitae), Labcorp
Classification: Uncertain significance for Leber congenital amaurosis 2; Retinitis pigmentosa 20. Last evaluated: 2024-03-17. Review status: criteria provided, single submitter. Criteria: Invitae Variant Classification Sherloc (09022015). Collection method: clinical testing. Allele origin: germline. Not counted in ClinVar's aggregate classification.
Comment: This sequence change replaces valine, which is neutral and non-polar, with methionine, which is neutral and non-polar, at codon 19 of the RPE65 protein (p.Val19Met). This variant is not present in population databases (gnomAD no frequency). This missense change has been observed in individual(s) with Leber congenital amaurosis and/or retinitis pigmentosa (Invitae). In at least one individual the data is consistent with being in trans (on the opposite chromosome) from a pathogenic variant. It has also been observed to segregate with disease in related individuals. Advanced modeling of protein sequence and biophysical properties (such as structural, functional, and spatial information, amino acid conservation, physicochemical variation, residue mobility, and thermodynamic stability) performed at Invitae indicates that this missense variant is not expected to disrupt RPE65 protein function with a negative predictive value of 80%. This variant disrupts the p.Val19 amino acid residue in RPE65. Other variant(s) that disrupt this residue have been observed in individuals with RPE65-related conditions (Invitae), which suggests that this may be a clinically significant amino acid residue. In summary, the available evidence is currently insufficient to determine the role of this variant in disease. Therefore, it has been classified as a Variant of Uncertain Significance.

NM_000329.3(RPE65):c.55G>A (p.Val19Met)

Gene: RPE65 (retinoid isomerohydrolase RPE65; minus strand). Cytogenetic location: 1p31.3.
Variant type: single nucleotide variant.
Coding change: c.55G>A on transcript NM_000329.3 (MANE Select); coding-DNA position 55, G replaced by A.
Protein change: p.Val19Met; replaces valine 19 with methionine.
Molecular consequence: missense variant. On other transcripts: 5 prime UTR variant (1), intron variant (1).
Genome position (GRCh38, 1-based): chr1:68,448,663, C>T on the plus strand (G>A on the coding strand, the complement: RPE65 is on the minus strand). VCF-style: chr1-68448663-C-T. GRCh37 (hg19) VCF-style: chr1-68914346-C-T.
Other names: NM_000329.3:c.55G>A; NM_000329.3(RPE65):c.55G>A; p.Val19Met; c.55G>A, p.Val19Met (NM_001406853.1, NM_001406859.1, NM_001406860.1); c.-71G>A (NM_001406856.1); c.-183+1232G>A (NM_001406857.1); short protein forms V19M.
Identifiers: ClinVar variation 2944236 (VCV002944236.5), dbSNP rs1645959896, ClinGen allele CA340750220.